The following is an entry in ClinVar:

NM_000256.3(MYBPC3):c.1358C>T (p.Pro453Leu)

Gene: MYBPC3 (myosin binding protein C3; minus strand). Cytogenetic location: 11p11.2.
Variant type: single nucleotide variant.
Coding change: c.1358C>T on transcript NM_000256.3 (MANE Select); coding-DNA position 1358, C replaced by T.
Protein change: p.Pro453Leu; replaces proline 453 with leucine.
Molecular consequence: missense variant.
Genome position (GRCh38, 1-based): chr11:47,342,929, G>A on the plus strand (C>T on the coding strand, the complement: MYBPC3 is on the minus strand). VCF-style: chr11-47342929-G-A. GRCh37 (hg19) VCF-style: chr11-47364480-G-A.
Other names: short protein forms P453L.
Identifiers: ClinVar variation 42526 (VCV000042526.7), dbSNP rs397515898, ClinGen allele CA010177.

ClinVar aggregate classification (germline): Uncertain significance. Review status: criteria provided, single submitter (1 of 4 stars). 2 submissions from 2 submitters: Uncertain significance (1). 1 of the submissions does not count toward it. Last evaluated 2023-07-06.

Conditions:
Hypertrophic cardiomyopathy. Also called: HYPERTROPHIC MYOCARDIOPATHY. Identifiers: Orphanet 217569, MedGen C0007194, MeSH D002312, MONDO:0005045, HP:0001639.

Allele frequency attached by ClinVar (database versions not stated): gnomAD exomes below 0.00001; ExAC 0.00001.
gnomAD v4.1: 4 of 1,611,160 alleles (0.00025%); highest among the groups gnomAD compares: East Asian, 0.0022%; no homozygotes.

Submissions (2):

Labcorp Genetics (formerly Invitae), Labcorp
Classification: Uncertain significance for Hypertrophic cardiomyopathy. Last evaluated: 2023-07-06. Review status: criteria provided, single submitter. Criteria: Invitae Variant Classification Sherloc (09022015). Collection method: clinical testing. Allele origin: germline.
Comment: This sequence change replaces proline, which is neutral and non-polar, with leucine, which is neutral and non-polar, at codon 453 of the MYBPC3 protein (p.Pro453Leu). This variant is present in population databases (rs397515898, gnomAD 0.006%). This missense change has been observed in individual(s) with hypertrophic cardiomyopathy (PMID: 27532257). ClinVar contains an entry for this variant (Variation ID: 42526). An algorithm developed to predict the effect of missense changes on protein structure and function (PolyPhen-2) suggests that this variant is likely to be disruptive. In summary, the available evidence is currently insufficient to determine the role of this variant in disease. Therefore, it has been classified as a Variant of Uncertain Significance.

Laboratory for Molecular Medicine, Mass General Brigham Personalized Medicine
Classification: Uncertain significance. Last evaluated: 2008-03-01. Review status: no assertion criteria provided. Collection method: clinical testing. Allele origin: germline. Observed: 2 variant alleles. Not counted in ClinVar's aggregate classification.

Literature cited by the submitters: PubMed 27532257 (cited by Labcorp Genetics (formerly Invitae), Labcorp).